The following is an entry in ClinVar:

ClinVar aggregate classification (germline): Pathogenic. Review status: criteria provided, single submitter (1 of 4 stars). 2 submissions from 1 submitter: Pathogenic (1). 1 of the submissions does not count toward it. Last evaluated 2023-11-27.

Conditions:
Beta-D-mannosidosis (MANSB). Also called: MANNOSIDOSIS, BETA A, LYSOSOMAL; BETA-MANNOSIDASE DEFICIENCY; LYSOSOMAL BETA-MANNOSIDASE DEFICIENCY; Beta-Mannosidosis. Identifiers: Orphanet 118, MedGen C4048196, MONDO:0009562, OMIM 248510.

Submissions (2):

Labcorp Genetics (formerly Invitae), Labcorp
Classification: Pathogenic for Beta-D-mannosidosis. Last evaluated: 2023-11-27. Review status: criteria provided, single submitter. Criteria: Invitae Variant Classification Sherloc (09022015). Collection method: clinical testing. Allele origin: germline.
Comment: A gross deletion of the genomic region encompassing the full coding sequence of the MANBA gene has been identified. Loss-of-function variants in MANBA are known to be pathogenic (PMID: 9384606, 12468273). The boundaries of this event are unknown as they extend beyond the assayed region for this gene and therefore may encompass additional genes. This variant has not been reported in the literature in individuals affected with MANBA-related conditions. For these reasons, this variant has been classified as Pathogenic.

Labcorp Genetics (formerly Invitae), Labcorp
Classification: Pathogenic. Last evaluated: 2022-06-27. Review status: flagged submission. Criteria: Invitae Variant Classification Sherloc (09022015). Collection method: clinical testing. Allele origin: germline. Not counted in ClinVar's aggregate classification.
Comment: A gross deletion of the genomic region encompassing the full coding sequence of the PPP3CA gene has been identified. Loss-of-function variants in PPP3CA are known to be pathogenic (PMID: 28942967, 29432562, 30455226, 30951195). The boundaries of this event are unknown as they extend beyond the assayed region for this gene and therefore may encompass additional genes. This variant has not been reported in the literature in individuals affected with PPP3CA-related conditions. For these reasons, this variant has been classified as Pathogenic.
ClinVar note: Reason: This record appears to be redundant with a more recent record from the same submitter.
ClinVar note: Notes: SCV003794409 appears to be redundant with SCV002239731.

Literature cited by the submitters: PubMed 9384606; PubMed 12468273; PubMed 28942967; PubMed 29432562; PubMed 30455226; PubMed 30951195.

NC_000004.11:g.(?_101947022)_(104640832_?)del

Genes: BANK1 (B cell scaffold protein with ankyrin repeats 1; plus strand), BDH2 (3-hydroxybutyrate dehydrogenase 2; minus strand), CENPE (centromere protein E; minus strand), CISD2 (CDGSH iron sulfur domain 2; plus strand), MANBA (mannosidase beta; minus strand) and 7 more. Cytogenetic location: 4q24.
Variant type: Deletion.
Identifiers: ClinVar variation 1456123 (VCV001456123.5).